The following is an entry in ClinVar:

NM_007294.4(BRCA1):c.*1337TGT[1]

Gene: BRCA1 (BRCA1 DNA repair associated; minus strand). Cytogenetic location: 17q21.31.
Variant type: Microsatellite.
Coding change: c.*1337TGT[1] on transcript NM_007294.4 (MANE Select); one copy of the 3-base unit TGT starting at c.*1337; the reference has two copies in a row; one copy, 3 bases deleted.
Molecular consequence: 3 prime UTR variant. On other transcripts: non-coding transcript variant (1).
Genome position (GRCh38, 1-based): chr17:43,044,336-43,044,338, ACA deleted on the plus strand (TGT on the coding strand, the reverse complement: BRCA1 is on the minus strand); deleting any 3 consecutive bases within chr17:43,044,336-43,044,341 gives the same sequence; the position shown is the placement nearest the transcript's 3' end. VCF-style (leftmost placement, unchanged base first): chr17-43044335-CACA-C. GRCh37 (hg19) VCF-style: chr17-41196352-CACA-C.
Other names: c.*1337_*1339TGT[1] (NM_001407571.1, NM_001407581.1, NM_001407582.1 and 347 more transcripts); c.*1443_*1445TGT[1] (NM_001407854.1, NM_001407858.1, NM_001407859.1 and 13 more transcripts); c.*1337TGT[1] (NM_007297.4, NM_007300.4); c.*1443TGT[1] (NM_007299.4); c.*1340_*1342del (NM_007294.3); c.*1340_*1342delTGT (NM_007294.3).
Identifiers: ClinVar variation 1194910 (VCV001194910.44), dbSNP rs1281551853, ClinGen allele CA626074841.

ClinVar aggregate classification (germline): Uncertain significance. Review status: criteria provided, multiple submitters, no conflicts (2 of 4 stars). 5 submissions from 5 submitters: Uncertain significance (5). Last evaluated 2026-09-10.

Conditions:
BRCA1-related disorder. Also called: BRCA1-related condition.
Hereditary breast ovarian cancer syndrome. Also called: Breast and ovarian cancer; BRCA1- and BRCA2-Associated Hereditary Breast and Ovarian Cancer; Hereditary breast and ovarian cancer syndrome; Hereditary breast and ovarian cancer; Hereditary breast and ovarian cancer syndrome (HBOC); Hereditary breast and/or ovarian cancer syndrome. Identifiers: Orphanet 145, MedGen C0677776, MeSH D061325, MONDO:0003582. Disease mechanism: loss of function.

Submissions (5):

PreventionGenetics, part of Exact Sciences
Classification: Uncertain significance for BRCA1-related condition. Last evaluated: 2026-09-10. Review status: criteria provided, single submitter. Criteria: ACMG Guidelines, 2015. Collection method: clinical testing. Allele origin: germline.
Comment: The BRCA1 c.*1340_*1342delTGT variant is located in the 3' untranslated region. This variant has been reported in individuals with breast cancer (Brewster et al. 2012. PubMed ID: 22753153). It is reported in 0.0046% of alleles in individuals of South Asian descent in gnomAD and is classified as uncertain in ClinVar (Variation ID: 1194910). Computational analysis predicts that this variant creates a new micro RNA (miRNA) binding site and functional studies suggest disrupted protein activity in the presence of the specific miRNA, miR-103 (Brewster et al. 2012. PubMed ID: 22753153). At this time, the clinical significance of this variant is uncertain due to the absence of conclusive functional and genetic evidence.

Quest Diagnostics Nichols Institute San Juan Capistrano
Classification: Uncertain significance. Last evaluated: 2025-08-04. Review status: criteria provided, single submitter. Criteria: Quest Diagnostics criteria. Collection method: clinical testing. Allele origin: unknown.
Comment: The BRCA1 c.*1340_*1342del variant has been reported in the published literature in two affected individuals with breast cancer and has been shown to cause a slight reduction on 3’UTR regulatory activity specific to the miR-103 mRNA (PMID: 22753153 (2012)). The frequency of this variant in the general population (Genome Aggregation Database) is uninformative in the assessment of its pathogenicity. Based on the available information, we are unable to determine the clinical significance of this variant.

GeneDx
Classification: Uncertain significance. Last evaluated: 2025-07-20. Review status: criteria provided, single submitter. Criteria: GeneDx Variant Classification Process June 2021. Collection method: clinical testing. Allele origin: germline. Affected: yes.
Comment: Observed in individuals with breast cancer (PMID: 22753153); Published functional studies are inconclusive: modest impact on transcriptional activity (PMID: 22753153); Not observed at significant frequency in large population cohorts (gnomAD); Located in a regulatory region; in the absence of functional studies, the actual effect of this sequence change is unknown; This variant is associated with the following publications: (PMID: 26785832, 31270633, 22753153)

CeGaT Center for Human Genetics Tuebingen
Classification: Uncertain significance. Last evaluated: 2022-09-01. Review status: criteria provided, single submitter. Criteria: CeGaT Center For Human Genetics Tuebingen Variant Classification Criteria Version 2. Collection method: clinical testing. Allele origin: germline. Affected: yes. Observed: 1 variant allele.
Comment: BRCA1: PS3:Supporting, BP4

Labcorp Genetics (formerly Invitae), Labcorp
Classification: Uncertain significance for Hereditary breast ovarian cancer syndrome. Last evaluated: 2020-07-15. Review status: criteria provided, single submitter. Criteria: Invitae Variant Classification Sherloc (09022015). Collection method: clinical testing. Allele origin: germline.
Comment: This variant occurs in a non-coding region of the BRCA1 gene. It does not change the encoded amino acid sequence of the BRCA1 protein. The frequency data for this variant in the population databases is considered unreliable, as metrics indicate insufficient coverage at this position in the ExAC database. This variant has been observed in individual(s) with breast cancer (PMID: 22753153). This variant has been reported to have conflicting or insufficient data to determine the effect on BRCA1 protein function (PMID: 22753153). In summary, the available evidence is currently insufficient to determine the role of this variant in disease. Therefore, it has been classified as a Variant of Uncertain Significance.

Literature cited by the submitters: PubMed 26785832 (cited by Quest Diagnostics Nichols Institute San Juan Capistrano); PubMed 31270633 (cited by Quest Diagnostics Nichols Institute San Juan Capistrano); PubMed 22753153 (cited by Quest Diagnostics Nichols Institute San Juan Capistrano and Labcorp Genetics (formerly Invitae), Labcorp).